The following is an entry in ClinVar:

ClinVar aggregate classification (germline): Likely benign. Review status: criteria provided, multiple submitters, no conflicts (2 of 4 stars). 2 submissions from 2 submitters: Likely benign (2). Last evaluated 2024-12-30.

Conditions:
TNXB-related disorder. Also called: TNXB-related condition.
Cardiovascular phenotype. Identifiers: MedGen CN230736.

Allele frequency attached by ClinVar (database versions not stated): gnomAD 0.00003; ExAC 0.00004; TOPMed 0.00004.
gnomAD v4.1: 41 of 1,612,394 alleles (0.0025%); highest among the groups gnomAD compares: South Asian, 0.0077%; no homozygotes.

Submissions (2):

PreventionGenetics, part of Exact Sciences
Classification: Likely benign for TNXB-related condition. Last evaluated: 2024-12-30. Review status: criteria provided, single submitter. Criteria: ACMG Guidelines, 2015. Collection method: clinical testing. Allele origin: germline.
Comment: This variant is classified as likely benign based on ACMG/AMP sequence variant interpretation guidelines (Richards et al. 2015 PMID: 25741868, with internal and published modifications).

Ambry Genetics
Classification: Likely benign for Cardiovascular phenotype. Last evaluated: 2020-08-30. Review status: criteria provided, single submitter. Criteria: Ambry Variant Classification Scheme 2023. Collection method: clinical testing. Allele origin: germline.

NM_001365276.2(TNXB):c.10128G>A (p.Thr3376=)

Gene: TNXB (tenascin XB; minus strand). Cytogenetic location: 6p21.33.
Variant type: single nucleotide variant.
Coding change: c.10128G>A on transcript NM_001365276.2 (MANE Select); coding-DNA position 10128, G replaced by A.
Protein change: p.Thr3376=; no amino-acid change (threonine 3376 retained).
Molecular consequence: synonymous variant.
Genome position (GRCh38, 1-based): chr6:32,047,930, C>T on the plus strand (G>A on the coding strand, the complement: TNXB is on the minus strand). VCF-style: chr6-32047930-C-T. GRCh37 (hg19) VCF-style: chr6-32015707-C-T.
Other names: c.10122G>A, p.Thr3374= (NM_019105.8).
Identifiers: ClinVar variation 1732442 (VCV001732442.3), dbSNP rs777967097, ClinGen allele CA3733298.
Genomic context (GRCh38, chr6:32,047,930, plus strand): 5'-GAGCCGACCATCCTTATCCTTGTACTGGACCACGAAGGAGTCGAATTCGCCCTCAGGGAC[C>T]GTCCACGAGAGGCCCACGGAGTCAGGGGTCGCATCTGTCACAGTCAGCTCCCCCAGGCGG-3'
Protein context (NP_001352205.1, residues 3366-3386): ATPDSVGLSW[Thr3376=]VPEGEFDSFV